The following is an entry in ClinVar:

ClinVar aggregate classification (germline): Uncertain significance. Review status: criteria provided, multiple submitters, no conflicts (2 of 4 stars). 2 submissions from 2 submitters: Uncertain significance (2). Last evaluated 2023-07-19.

Conditions:
WDR19-related disorder. Also called: WDR19-related disorders; WDR19-related condition. Identifiers: MedGen CN380161.
Asphyxiating thoracic dystrophy 5 (SRTD5). Also called: SHORT-RIB THORACIC DYSPLASIA 5 WITH OR WITHOUT POLYDACTYLY; SHORT-RIB THORACIC DYSPLASIA 5 WITHOUT POLYDACTYLY. Identifiers: Orphanet 474, MedGen C3280598, MONDO:0013717, OMIM 614376.
Senior-Loken syndrome 8 (SLSN8). Identifiers: Orphanet 3156, MedGen C4225376, MONDO:0014579, OMIM 616307.

Allele frequency attached by ClinVar (database versions not stated): gnomAD exomes below 0.00001.
gnomAD v4.1: 8 of 1,602,246 alleles (0.0005%); highest among the groups gnomAD compares: Non-Finnish European, 0.00051%; no homozygotes.

Submissions (2):

PreventionGenetics, part of Exact Sciences
Classification: Uncertain significance for WDR19-related condition. Last evaluated: 2023-07-19. Review status: criteria provided, single submitter. Criteria: ACMG Guidelines, 2015. Collection method: clinical testing. Allele origin: germline.
Comment: The WDR19 c.292G>T variant is predicted to result in the amino acid substitution p.Asp98Tyr. This variant has been reported in the homozygous state in a patient with nephronophthisis (Doreille et al. 2021. PubMed ID: 33268504). This variant has not been reported in a large population database, indicating this variant is rare. At this time, the clinical significance of this variant is uncertain due to the absence of conclusive functional and genetic evidence.

Labcorp Genetics (formerly Invitae), Labcorp
Classification: Uncertain significance for Senior-Loken syndrome 8; Asphyxiating thoracic dystrophy 5. Last evaluated: 2022-07-05. Review status: criteria provided, single submitter. Criteria: Invitae Variant Classification Sherloc (09022015). Collection method: clinical testing. Allele origin: germline.
Comment: This variant is not present in population databases (gnomAD no frequency). This variant has not been reported in the literature in individuals affected with WDR19-related conditions. ClinVar contains an entry for this variant (Variation ID: 1391596). Algorithms developed to predict the effect of missense changes on protein structure and function (SIFT, PolyPhen-2, Align-GVGD) all suggest that this variant is likely to be disruptive. Algorithms developed to predict the effect of sequence changes on RNA splicing suggest that this variant may create or strengthen a splice site. In summary, the available evidence is currently insufficient to determine the role of this variant in disease. Therefore, it has been classified as a Variant of Uncertain Significance. This sequence change replaces aspartic acid, which is acidic and polar, with tyrosine, which is neutral and polar, at codon 98 of the WDR19 protein (p.Asp98Tyr).

NM_025132.4(WDR19):c.292G>T (p.Asp98Tyr)

Gene: WDR19 (WD repeat domain 19; plus strand). Cytogenetic location: 4p14.
Variant type: single nucleotide variant.
Coding change: c.292G>T on transcript NM_025132.4 (MANE Select); coding-DNA position 292, G replaced by T.
Protein change: p.Asp98Tyr; replaces aspartic acid 98 with tyrosine.
Molecular consequence: missense variant. On other transcripts: intron variant (1).
Genome position (GRCh38, 1-based): chr4:39,194,545, G>T. VCF-style: chr4-39194545-G-T. GRCh37 (hg19) VCF-style: chr4-39196165-G-T.
Other names: c.-75+4764G>T (NM_001317924.2); c.292G>T (NM_025132.3); short protein forms D98Y.
Identifiers: ClinVar variation 1391596 (VCV001391596.8), dbSNP rs1317389016, ClinGen allele CA356631651.